The following is an entry in ClinVar:

ClinVar aggregate classification (germline): Uncertain significance. Review status: criteria provided, multiple submitters, no conflicts (2 of 4 stars). 3 submissions from 3 submitters: Uncertain significance (3). Last evaluated 2025-08-11.

Conditions:
Stuve-Wiedemann syndrome (STWS). Also called: Stüve-Wiedemann syndrome. Identifiers: Orphanet 3206, MedGen C0796176, MONDO:0031280.

Allele frequency attached by ClinVar (database versions not stated): gnomAD exomes below 0.00001 and 0.00001; TOPMed below 0.00001; gnomAD 0.00001.
gnomAD v4.1: 4 of 1,613,432 alleles (0.00025%); highest among the groups gnomAD compares: East Asian, 0.0089%; no homozygotes.

Submissions (3):

GeneDx
Classification: Uncertain significance. Last evaluated: 2025-08-11. Review status: criteria provided, single submitter. Criteria: GeneDx Variant Classification Process June 2021. Collection method: clinical testing. Allele origin: germline. Affected: yes.
Comment: In silico analysis suggests that this missense variant does not alter protein structure/function; Has not been previously published as pathogenic or benign to our knowledge

Labcorp Genetics (formerly Invitae), Labcorp
Classification: Uncertain significance. Last evaluated: 2022-07-11. Review status: criteria provided, single submitter. Criteria: Invitae Variant Classification Sherloc (09022015). Collection method: clinical testing. Allele origin: germline.
Comment: This sequence change replaces histidine, which is basic and polar, with glutamine, which is neutral and polar, at codon 592 of the LIFR protein (p.His592Gln). This variant is present in population databases (rs762360996, gnomAD 0.02%). This variant has not been reported in the literature in individuals affected with LIFR-related conditions. ClinVar contains an entry for this variant (Variation ID: 353623). Algorithms developed to predict the effect of missense changes on protein structure and function are either unavailable or do not agree on the potential impact of this missense change (SIFT: "Tolerated"; PolyPhen-2: "Possibly Damaging"; Align-GVGD: "Class C0"). Algorithms developed to predict the effect of sequence changes on RNA splicing suggest that this variant may create or strengthen a splice site. In summary, the available evidence is currently insufficient to determine the role of this variant in disease. Therefore, it has been classified as a Variant of Uncertain Significance.

Illumina Laboratory Services, Illumina
Classification: Uncertain significance for Stüve-Wiedemann syndrome 1. Last evaluated: 2018-01-12. Review status: criteria provided, single submitter. Criteria: ICSL Variant Classification Criteria 13 December 2019. Collection method: clinical testing. Allele origin: germline.

NM_001127671.2(LIFR):c.1776C>G (p.His592Gln)

Gene: LIFR (LIF receptor subunit alpha; minus strand). Cytogenetic location: 5p13.1.
Variant type: single nucleotide variant.
Coding change: c.1776C>G on transcript NM_001127671.2 (MANE Select); coding-DNA position 1776, C replaced by G.
Protein change: p.His592Gln; replaces histidine 592 with glutamine.
Molecular consequence: missense variant.
Genome position (GRCh38, 1-based): chr5:38,496,491, G>C on the plus strand (C>G on the coding strand, the complement: LIFR is on the minus strand). VCF-style: chr5-38496491-G-C. GRCh37 (hg19) VCF-style: chr5-38496593-G-C.
Other names: c.1776C>G, p.His592Gln (NM_001364297.2, NM_001364298.2, NM_002310.6); short protein forms H592Q.
Identifiers: ClinVar variation 353623 (VCV000353623.8), dbSNP rs762360996, ClinGen allele CA3242840.